The following is an entry in ClinVar:

ClinVar aggregate classification (germline): Conflicting classifications of pathogenicity. Review status: criteria provided, conflicting classifications (1 of 4 stars). 4 submissions from 4 submitters: Likely pathogenic (1); Uncertain significance (3). Last evaluated 2026-01-04.

Conditions:
LTBP3-related disorder. Also called: LTBP3-related condition.
Brachyolmia-amelogenesis imperfecta syndrome. Also called: Tooth agenesis, selective, 6; Dental anomalies and short stature; PLATYSPONDYLY WITH AMELOGENESIS IMPERFECTA. Identifiers: Orphanet 2899, MedGen C1832594, MONDO:0011018, OMIM 601216. Disease mechanism: loss of function.

Allele frequency attached by ClinVar (database versions not stated): gnomAD 0.00012 and 0.00010; ESP Exome Variant Server 0.00015; 1000 Genomes Project 0.00020; gnomAD exomes 0.00024 and 0.00025; 1000 Genomes Project 30x 0.00031; ExAC 0.00033; TOPMed 0.00009.
gnomAD v4.1: 382 of 1,614,010 alleles (0.024%); highest among the groups gnomAD compares: South Asian, 0.17%; 1 homozygote.

Submissions (4):

Labcorp Genetics (formerly Invitae), Labcorp
Classification: Uncertain significance for Brachyolmia-amelogenesis imperfecta syndrome. Last evaluated: 2026-01-04. Review status: criteria provided, single submitter. Criteria: Invitae Variant Classification Sherloc (09022015). Collection method: clinical testing. Allele origin: germline.
Comment: This sequence change replaces proline, which is neutral and non-polar, with leucine, which is neutral and non-polar, at codon 517 of the LTBP3 protein (p.Pro517Leu). This variant is present in population databases (rs145001056, gnomAD 0.1%). This missense change has been observed in individual(s) with clinical features of LTBP3-related conditions (PMID: 29625025). ClinVar contains an entry for this variant (Variation ID: 235669). An algorithm developed to predict the effect of missense changes on protein structure and function (PolyPhen-2) suggests that this variant is likely to be tolerated. In summary, the available evidence is currently insufficient to determine the role of this variant in disease. Therefore, it has been classified as a Variant of Uncertain Significance.

PreventionGenetics, part of Exact Sciences
Classification: Uncertain significance for LTBP3-related condition. Last evaluated: 2025-05-28. Review status: criteria provided, single submitter. Criteria: ACMG Guidelines, 2015. Collection method: clinical testing. Allele origin: germline.
Comment: The LTBP3 c.1550C>T variant is predicted to result in the amino acid substitution p.Pro517Leu. This variant has been reported in the heterozygous state in an individual with thoracic aortic aneurysm and dissection (Guo et al. 2018. PubMed ID: 29625025). This variant is reported in 0.13% of alleles in individuals of South Asian descent in gnomAD. At this time, the clinical significance of this variant is uncertain due to the absence of conclusive functional and genetic evidence.

GeneDx
Classification: Uncertain significance. Last evaluated: 2017-07-13. Review status: criteria provided, single submitter. Criteria: GeneDx Variant Classification (06012015). Collection method: clinical testing. Allele origin: germline. Affected: yes.
Comment: The P517L variant in the LTBP3 gene has not been reported previously as a pathogenic variant, nor as a benign variant, to our knowledge. The P517L variant is observed in 27/16444 (0.16%) alleles from individuals of South Asian background and 9/66050 (0.013%) alleles from individuals of non-Finnish European background in large population cohorts (Lek et al., 2016; 1000 Genomes Consortium et al., 2015; Exome Variant Server). The P517L variant is a semi-conservative amino acid substitution, which may impact secondary protein structure as these residues differ in some properties. This substitution occurs at a position that is not conserved. In silico analysis predicts this variant is probably damaging to the protein structure/function. We interpret P517L as a variant of uncertain significance.

Center for Pediatric Genomic Medicine, Children's Mercy Hospital and Clinics
Classification: Likely pathogenic. Last evaluated: 2016-05-11. Review status: criteria provided, single submitter. Criteria: ACMG Guidelines, 2015. Collection method: clinical testing. Allele origin: germline.

Literature cited by the submitters: PubMed 29625025 (cited by Labcorp Genetics (formerly Invitae), Labcorp).

NM_001130144.3(LTBP3):c.1550C>T (p.Pro517Leu)

Gene: LTBP3 (latent transforming growth factor beta binding protein 3; minus strand). Cytogenetic location: 11q13.1.
Variant type: single nucleotide variant.
Coding change: c.1550C>T on transcript NM_001130144.3 (MANE Select); coding-DNA position 1550, C replaced by T.
Protein change: p.Pro517Leu; replaces proline 517 with leucine.
Molecular consequence: missense variant.
Genome position (GRCh38, 1-based): chr11:65,551,473, G>A on the plus strand (C>T on the coding strand, the complement: LTBP3 is on the minus strand). VCF-style: chr11-65551473-G-A. GRCh37 (hg19) VCF-style: chr11-65318944-G-A.
Other names: c.1199C>T, p.Pro400Leu (NM_001164266.1); c.1550C>T, p.Pro517Leu (NM_021070.4); short protein forms P517L, P400L.
Identifiers: ClinVar variation 235669 (VCV000235669.11), dbSNP rs145001056, ClinGen allele CA6100929.